The following is an entry in ClinVar:

NM_003292.3(TPR):c.6625C>T (p.Arg2209Ter)

Gene: TPR (translocated promoter region, nuclear basket protein; minus strand). Cytogenetic location: 1q31.1.
Variant type: single nucleotide variant.
Coding change: c.6625C>T on transcript NM_003292.3 (MANE Select); coding-DNA position 6625, C replaced by T.
Protein change: p.Arg2209Ter; replaces arginine 2209 with a stop codon.
Molecular consequence: nonsense.
Genome position (GRCh38, 1-based): chr1:186,318,772, G>A on the plus strand (C>T on the coding strand, the complement: TPR is on the minus strand). VCF-style: chr1-186318772-G-A. GRCh37 (hg19) VCF-style: chr1-186287904-G-A.
Other names: NM_003292.3(TPR):c.6625C>T; p.Arg2209Ter; short protein forms R2209*.
Identifiers: ClinVar variation 2502915 (VCV002502915.3), dbSNP rs2526481808, ClinGen allele CA343960023.
Genomic context (GRCh38, chr1:186,318,772, plus strand): 5'-CTATCTGCCTTTGATCCCTACCTGGGGCTGCTACTTGTAGTGGAGTAGTGGGAACACTTC[G>A]GCCACCTGACTCTTCTTCATGAGCTAGGAACAGGGGTGTTTCATACATTCCTAAACCTAA-3'

ClinVar aggregate classification (germline): Uncertain significance. Review status: criteria provided, single submitter (1 of 4 stars). 2 submissions from 2 submitters: Uncertain significance (1). 1 of the submissions does not count toward it. Last evaluated 2025-06-18.

Conditions:
Intellectual developmental disorder, autosomal recessive 79 (MRT79). Identifiers: MedGen C5830553, MONDO:0957288, OMIM 620393.

Submissions (2):

Broad Center for Mendelian Genomics, Broad Institute of MIT and Harvard
Classification: Uncertain significance for Intellectual developmental disorder, autosomal recessive 79. Last evaluated: 2025-06-18. Review status: criteria provided, single submitter. Criteria: ACMG Guidelines, 2015. Collection method: curation. Allele origin: germline. Inheritance: Autosomal recessive inheritance. Study: GREGoR Consortium.
Comment: The heterozygous p.Arg2209Ter variant in TPR was identified by our study, in the compound heterozygous state along with a variant of uncertain significance, in 2 affected siblings with autosomal recessive intellectual developmental disorder (PMID: 34494102, 34740920). Trio exome analysis revealed that this variant was in trans with the VUS. The p.Arg2209Ter variant in TPR has not been previously reported in the literature in individuals with autosomal recessive intellectual disorder, and was absent from large population studies. This variant has also been reported in ClinVar (VCV002502915.1) and has been interpreted as pathogenic by OMIM. In vitro functional studies provide some evidence that the p.Arg2209Ter variant may impact protein function (PMID: 34494102). However, these types of assays may not accurately represent biological function. RNAseq performed on unaffected tissues shows evidence that this variant leads to nonsense mediated decay of the protein. This nonsense variant leads to a premature termination codon at position 2209, which is predicted to lead to a truncated or absent protein. It is of note that loss of function of TPR in an autosomal recessive disease has not yet been established based on the criteria laid out in Tayoun et al., 2018 (PMID: 30192042). Furthermore, although this gene has been reported in association with intellectual developmental disorder, it currently has limited evidence for these associations. In summary, the clinical significance of the p.Arg2209Ter variant is uncertain.

OMIM
Classification: Pathogenic for INTELLECTUAL DEVELOPMENTAL DISORDER, AUTOSOMAL RECESSIVE 79 (1 family). Last evaluated: 2026-04-22. Review status: no assertion criteria provided. Collection method: literature only. Allele origin: germline. Not counted in ClinVar's aggregate classification.

Literature cited by the submitters: PubMed 34494102 (cited by OMIM).